The following is an entry in ClinVar:

ClinVar aggregate classification (germline): Conflicting classifications of pathogenicity. Review status: criteria provided, conflicting classifications (1 of 4 stars). 6 submissions from 6 submitters: Uncertain significance (2); Benign (1); Likely benign (2). 1 of the submissions does not count toward it. Last evaluated 2026-01-26.

Conditions:
Inborn genetic diseases. Identifiers: MedGen C0950123, MeSH D030342.
Retinal dystrophy. Also called: Inherited retinal dystrophy. Identifiers: Orphanet 71862, MedGen C0854723, MeSH D058499, MONDO:0019118, HP:0000556.
PDE6B-related disorder. Also called: PDE6B-related disorders; PDE6B-related disease; PDE6B-related condition.

Allele frequency attached by ClinVar (database versions not stated): gnomAD exomes 0.00016 and 0.00038; ExAC 0.00047; 1000 Genomes Project 30x 0.00172; 1000 Genomes Project 0.00180; gnomAD 0.00180 and 0.00198; ESP Exome Variant Server 0.00185; TOPMed 0.00209.
gnomAD v4.1: 520 of 1,613,338 alleles (0.032%); highest among the groups gnomAD compares: African/African-American, 0.61%; 2 homozygotes.

Submissions (6):

Labcorp Genetics (formerly Invitae), Labcorp
Classification: Likely benign. Last evaluated: 2026-01-26. Review status: criteria provided, single submitter. Criteria: Invitae Variant Classification Sherloc (09022015). Collection method: clinical testing. Allele origin: germline.

Blueprint Genetics
Classification: Likely benign. Last evaluated: 2024-10-08. Review status: criteria provided, single submitter. Criteria: ACMG Guidelines, 2015. Collection method: clinical testing. Allele origin: germline.

Dept Of Ophthalmology, Nagoya University
Classification: Uncertain significance for Retinal dystrophy. Last evaluated: 2023-10-01. Review status: criteria provided, single submitter. Criteria: Submitter's publication. Collection method: research. Allele origin: germline. Affected: yes.

Ambry Genetics
Classification: Uncertain significance for Inborn genetic diseases. Last evaluated: 2021-10-06. Review status: criteria provided, single submitter. Criteria: Ambry Variant Classification Scheme 2023. Collection method: clinical testing. Allele origin: germline.

GeneDx
Classification: Benign. Last evaluated: 2015-03-03. Review status: criteria provided, single submitter. Criteria: GeneDx Variant Classification Process June 2021. Collection method: clinical testing. Allele origin: germline. Affected: yes.

PreventionGenetics, part of Exact Sciences
Classification: Likely benign for PDE6B-related condition. Last evaluated: 2019-12-04. Review status: no assertion criteria provided. Collection method: clinical testing. Allele origin: germline. Not counted in ClinVar's aggregate classification.
Comment: This variant is classified as likely benign based on ACMG/AMP sequence variant interpretation guidelines (Richards et al. 2015 PMID: 25741868, with internal and published modifications).

NM_000283.4(PDE6B):c.2371G>A (p.Glu791Lys)

Gene: PDE6B (phosphodiesterase 6B; plus strand). Cytogenetic location: 4p16.3.
Variant type: single nucleotide variant.
Coding change: c.2371G>A on transcript NM_000283.4 (MANE Select); coding-DNA position 2371, G replaced by A.
Protein change: p.Glu791Lys; replaces glutamic acid 791 with lysine.
Molecular consequence: missense variant.
Genome position (GRCh38, 1-based): chr4:667,874, G>A. VCF-style: chr4-667874-G-A. GRCh37 (hg19) VCF-style: chr4-661663-G-A.
Other names: c.2371G>A, p.Glu791Lys (NM_001145291.2); c.1534G>A, p.Glu512Lys (NM_001145292.2, NM_001350154.3, NM_001379246.1 and 1 more transcripts); c.1216G>A, p.Glu406Lys (NM_001350155.3); short protein forms E512K, E791K, E406K.
Identifiers: ClinVar variation 716106 (VCV000716106.19), dbSNP rs74411086, ClinGen allele CA2795041.